The following is an entry in ClinVar:

ClinVar aggregate classification (germline): Uncertain significance (1 of 4 stars; one submission).

Conditions:
Baller-Gerold syndrome (BGS). Also called: CRANIOSYNOSTOSIS WITH RADIAL DEFECTS. Identifiers: Orphanet 1225, MedGen C0265308, MONDO:0009039, OMIM 218600.

Allele frequency attached by ClinVar (database versions not stated): ExAC 0.00001; TOPMed 0.00001.

Submission:

Labcorp Genetics (formerly Invitae), Labcorp
Classification: Uncertain significance for Baller-Gerold syndrome. Last evaluated: 2024-04-16. Review status: criteria provided, single submitter. Criteria: Invitae Variant Classification Sherloc (09022015). Collection method: clinical testing. Allele origin: germline.
Comment: This sequence change replaces serine, which is neutral and polar, with proline, which is neutral and non-polar, at codon 535 of the RECQL4 protein (p.Ser535Pro). This variant is not present in population databases (gnomAD no frequency). This variant has not been reported in the literature in individuals affected with RECQL4-related conditions. ClinVar contains an entry for this variant (Variation ID: 1026747). Advanced modeling of protein sequence and biophysical properties (such as structural, functional, and spatial information, amino acid conservation, physicochemical variation, residue mobility, and thermodynamic stability) performed at Invitae indicates that this missense variant is expected to disrupt RECQL4 protein function with a positive predictive value of 80%. In summary, the available evidence is currently insufficient to determine the role of this variant in disease. Therefore, it has been classified as a Variant of Uncertain Significance.

NM_004260.4(RECQL4):c.1603T>C (p.Ser535Pro)

Gene: RECQL4 (RecQ like helicase 4; minus strand). Cytogenetic location: 8q24.3.
Variant type: single nucleotide variant.
Coding change: c.1603T>C on transcript NM_004260.4 (MANE Select); coding-DNA position 1603, T replaced by C.
Protein change: p.Ser535Pro; replaces serine 535 with proline.
Molecular consequence: missense variant.
Genome position (GRCh38, 1-based): chr8:144,514,953, A>G on the plus strand (T>C on the coding strand, the complement: RECQL4 is on the minus strand). VCF-style: chr8-144514953-A-G. GRCh37 (hg19) VCF-style: chr8-145740337-A-G.
Other names: short protein forms S535P.
Identifiers: ClinVar variation 1026747 (VCV001026747.4), dbSNP rs777773509, ClinGen allele CA4948785.